The following is an entry in ClinVar:

ClinVar aggregate classification (germline): Uncertain significance (1 of 4 stars; one submission).

Conditions:
Pseudohypoaldosteronism type 2C (PHA2C). Also called: Pseudohypoaldosteronism Type IIC. Identifiers: Orphanet 757, Orphanet 88940, MedGen C1840391, MONDO:0013778, OMIM 614492.
Neuropathy, hereditary sensory and autonomic, type 2A (HSAN2A). Also called: MORVAN DISEASE; NEUROPATHY, CONGENITAL SENSORY; NEUROPATHY, HEREDITARY SENSORY RADICULAR, AUTOSOMAL RECESSIVE; NEUROPATHY, HEREDITARY SENSORY, TYPE IIA; NEUROPATHY, PROGRESSIVE SENSORY, OF CHILDREN; WNK1-Related HSAN2 (HSAN2A). Identifiers: Orphanet 970, MedGen C2752089, MONDO:0024309, OMIM 201300.

gnomAD v4.1: 11 of 1,613,820 alleles (0.00068%); highest among the groups gnomAD compares: African/African-American, 0.0013%; no homozygotes.

Submission:

Labcorp Genetics (formerly Invitae), Labcorp
Classification: Uncertain significance for Neuropathy, hereditary sensory and autonomic, type 2A; Pseudohypoaldosteronism type 2C. Last evaluated: 2024-10-30. Review status: criteria provided, single submitter. Criteria: Invitae Variant Classification Sherloc (09022015). Collection method: clinical testing. Allele origin: germline.
Comment: This sequence change replaces proline, which is neutral and non-polar, with leucine, which is neutral and non-polar, at codon 1010 of the WNK1 protein (p.Pro1010Leu). This variant is present in population databases (rs750384751, gnomAD 0.004%). This variant has not been reported in the literature in individuals affected with WNK1-related conditions. ClinVar contains an entry for this variant (Variation ID: 847983). Invitae Evidence Modeling of protein sequence and biophysical properties (such as structural, functional, and spatial information, amino acid conservation, physicochemical variation, residue mobility, and thermodynamic stability) indicates that this missense variant is not expected to disrupt WNK1 protein function with a negative predictive value of 95%. In summary, the available evidence is currently insufficient to determine the role of this variant in disease. Therefore, it has been classified as a Variant of Uncertain Significance.

NM_213655.5(WNK1):c.3029C>T (p.Pro1010Leu)

Gene: WNK1 (WNK lysine deficient protein kinase 1; plus strand). Cytogenetic location: 12p13.33.
Variant type: single nucleotide variant.
Coding change: c.3029C>T on transcript NM_213655.5 (MANE Plus Clinical); coding-DNA position 3029, C replaced by T.
Protein change: p.Pro1010Leu; replaces proline 1010 with leucine.
Molecular consequence: missense variant. On other transcripts: intron variant (2).
Genome position (GRCh38, 1-based): chr12:868,500, C>T. VCF-style: chr12-868500-C-T. GRCh37 (hg19) VCF-style: chr12-977666-C-T.
Other names: c.2774C>T, p.Pro925Leu (NM_001184985.2); c.2140-2765C>T (NM_018979.4, NM_014823.3); short protein forms P925L, P1010L.
Identifiers: ClinVar variation 847983 (VCV000847983.9), dbSNP rs750384751, ClinGen allele CA6382287.